The following is an entry in ClinVar:

NM_004006.3(DMD):c.9225-301T>C

Gene: DMD (dystrophin; minus strand). Cytogenetic location: Xp21.2.
Variant type: single nucleotide variant.
Coding change: c.9225-301T>C on transcript NM_004006.3 (MANE Select); 301 bases into the intron before coding-DNA position 9225, T replaced by C.
Molecular consequence: intron variant.
Genome position (GRCh38, 1-based): chrX:31,261,317, A>G on the plus strand (T>C on the coding strand, the complement: DMD is on the minus strand). VCF-style: chrX-31261317-A-G. GRCh37 (hg19) VCF-style: chrX-31279434-A-G.
Other names: c.9201-301T>C (NM_000109.4); c.5202-301T>C (NM_004011.4); c.5193-301T>C (NM_004012.4); c.1845-301T>C (NM_004023.3, NM_004020.4, NM_004022.3 and 2 more transcripts); c.1038-301T>C (NM_004014.3); c.21-301T>C (NM_004018.3, NM_004017.3, NM_004016.3 and 2 more transcripts); c.9213-301T>C (NM_004009.3); c.8856-301T>C (NM_004010.3).
Identifiers: ClinVar variation 137108 (VCV000137108.3), dbSNP rs73617063, ClinGen allele CA290626.

ClinVar aggregate classification (germline): Benign/Likely benign. Review status: criteria provided, multiple submitters, no conflicts (2 of 4 stars). 3 submissions from 3 submitters: Benign (1); Likely benign (1). 1 of the submissions does not count toward it. Last evaluated 2024-09-09.

Conditions:
Dystrophin deficiency.
Cardiomyopathy (CMYO). Also called: Cardiomyopathies. Identifiers: Orphanet 167848, MedGen C0878544, MONDO:0004994, HP:0001638. Inheritance: Various modes of inheritance.
Duchenne muscular dystrophy (DMD). Also called: Duchenne Muscular Dystrophy (DMD); MUSCULAR DYSTROPHY, PSEUDOHYPERTROPHIC PROGRESSIVE, DUCHENNE TYPE. Identifiers: Orphanet 98896, MedGen C0013264, MONDO:0010679, OMIM 310200.
Becker muscular dystrophy (BMD). Also called: Becker Muscular Dystrophy (BMD); MUSCULAR DYSTROPHY, PSEUDOHYPERTROPHIC PROGRESSIVE, BECKER TYPE. Identifiers: Orphanet 98895, MedGen C0917713, MONDO:0010311, OMIM 300376.

Allele frequency attached by ClinVar (database versions not stated): gnomAD exomes 0.00074; gnomAD 0.00473 and 0.00503; TOPMed 0.00507; 1000 Genomes Project 0.00609; 1000 Genomes Project 30x 0.00624.
gnomAD v4.1: 656 of 283,649 alleles (0.23%); highest among the groups gnomAD compares: African/African-American, 1.7%; 6 homozygotes.

Submissions (3):

Blueprint Genetics
Classification: Likely benign. Last evaluated: 2024-09-09. Review status: criteria provided, single submitter. Criteria: ACMG Guidelines, 2015. Collection method: clinical testing. Allele origin: germline.

GeneDx
Classification: Benign. Last evaluated: 2014-04-28. Review status: criteria provided, single submitter. Criteria: GeneDx Variant Classification (06012015). Collection method: clinical testing. Allele origin: germline. Affected: yes.
Comment: This variant is considered likely benign or benign based on one or more of the following criteria: it is a conservative change, it occurs at a poorly conserved position in the protein, it is predicted to be benign by multiple in silico algorithms, and/or has population frequency not consistent with disease.

Natera, Inc.
Classification: Likely benign for Becker muscular dystrophy; Cardiomyopathy; Duchenne muscular dystrophy; Dystrophin deficiency. Last evaluated: 2017-04-21. Review status: no assertion criteria provided. Collection method: clinical testing. Allele origin: germline. Not counted in ClinVar's aggregate classification.